The following is an entry in ClinVar:

NM_001321967.2(ATAD1):c.868G>A (p.Glu290Lys)

Gene: ATAD1 (ATPase family AAA domain containing 1; minus strand). Cytogenetic location: 10q23.31.
Variant type: single nucleotide variant.
Coding change: c.868G>A on transcript NM_001321967.2 (MANE Select); coding-DNA position 868, G replaced by A.
Protein change: p.Glu290Lys; replaces glutamic acid 290 with lysine.
Molecular consequence: missense variant. On other transcripts: non-coding transcript variant (1).
Genome position (GRCh38, 1-based): chr10:87,756,886, C>T on the plus strand (G>A on the coding strand, the complement: ATAD1 is on the minus strand). VCF-style: chr10-87756886-C-T. GRCh37 (hg19) VCF-style: chr10-89516643-C-T.
Other names: c.778G>A, p.Glu260Lys (NM_001321968.2); c.511G>A, p.Glu171Lys (NM_001321969.2); c.868G>A, p.Glu290Lys (NM_032810.4); c.868G>A (NM_032810.2); short protein forms E260K, E171K, E290K.
Identifiers: ClinVar variation 1515208 (VCV001515208.9), dbSNP rs201303095, ClinGen allele CA5589939.
Genomic context (GRCh38, chr10:87,756,886, plus strand): 5'-AGAGGAGGGCAGCATCTCGACACATCTCTTTTAGGTCACTTCCTGAAAACCCATCAGTTT[C>T]CTGGGCAACTTCTAGCAGGTCTACATGCCTATCCACCTTAAACAAATATAAAAACATGCT-3'
Protein context (NP_001308896.1, residues 280-300): RHVDLLEVAQ[Glu290Lys]TDGFSGSDLK

ClinVar aggregate classification (germline): Uncertain significance. Review status: criteria provided, multiple submitters, no conflicts (2 of 4 stars). 2 submissions from 2 submitters: Uncertain significance (2). Last evaluated 2026-01-05.

Conditions:
Inborn genetic diseases. Identifiers: MedGen C0950123, MeSH D030342.

Allele frequency attached by ClinVar (database versions not stated): ESP Exome Variant Server 0.00008; TOPMed 0.00011; ExAC 0.00012; gnomAD 0.00014 and 0.00015; gnomAD exomes 0.00014.
gnomAD v4.1: 226 of 1,612,052 alleles (0.014%); highest among the groups gnomAD compares: Non-Finnish European, 0.015%; no homozygotes.

Submissions (2):

Labcorp Genetics (formerly Invitae), Labcorp
Classification: Uncertain significance. Last evaluated: 2026-01-05. Review status: criteria provided, single submitter. Criteria: Invitae Variant Classification Sherloc (09022015). Collection method: clinical testing. Allele origin: germline.
Comment: This sequence change replaces glutamic acid, which is acidic and polar, with lysine, which is basic and polar, at codon 290 of the ATAD1 protein (p.Glu290Lys). This variant is present in population databases (rs201303095, gnomAD 0.2%). This variant has not been reported in the literature in individuals affected with ATAD1-related conditions. ClinVar contains an entry for this variant (Variation ID: 1515208). An algorithm developed to predict the effect of missense changes on protein structure and function (PolyPhen-2) suggests that this variant is likely to be tolerated. In summary, the available evidence is currently insufficient to determine the role of this variant in disease. Therefore, it has been classified as a Variant of Uncertain Significance.

Ambry Genetics
Classification: Uncertain significance for Inborn genetic diseases. Last evaluated: 2021-09-30. Review status: criteria provided, single submitter. Criteria: Ambry Variant Classification Scheme 2023. Collection method: clinical testing. Allele origin: germline.